The following is an entry in ClinVar:

NM_198525.3(KIF7):c.1943G>A (p.Ser648Asn)

Gene: KIF7 (kinesin family member 7; minus strand). Cytogenetic location: 15q26.1.
Variant type: single nucleotide variant.
Coding change: c.1943G>A on transcript NM_198525.3 (MANE Select); coding-DNA position 1943, G replaced by A.
Protein change: p.Ser648Asn; replaces serine 648 with asparagine.
Molecular consequence: missense variant.
Genome position (GRCh38, 1-based): chr15:89,645,431, C>T on the plus strand (G>A on the coding strand, the complement: KIF7 is on the minus strand). VCF-style: chr15-89645431-C-T. GRCh37 (hg19) VCF-style: chr15-90188662-C-T.
Other names: short protein forms S648N.
Identifiers: ClinVar variation 2136300 (VCV002136300.1), dbSNP rs2505480590, ClinGen allele CA393764524.

ClinVar aggregate classification (germline): Uncertain significance (1 of 4 stars; one submission).

Submission:

GeneDx
Classification: Uncertain significance. Last evaluated: 2022-07-19. Review status: criteria provided, single submitter. Criteria: GeneDx Variant Classification Process June 2021. Collection method: clinical testing. Allele origin: germline. Affected: yes.
Comment: Not observed at significant frequency in large population cohorts (gnomAD); In silico analysis supports that this missense variant does not alter protein structure/function; Has not been previously published as pathogenic or benign to our knowledge